The following is an entry in ClinVar:

NM_001378454.1(ALMS1):c.6993C>A (p.Cys2331Ter)

Gene: ALMS1 (ALMS1 centrosome and basal body associated protein; plus strand). Cytogenetic location: 2p13.1.
Variant type: single nucleotide variant.
Coding change: c.6993C>A on transcript NM_001378454.1 (MANE Select); coding-DNA position 6993, C replaced by A.
Protein change: p.Cys2331Ter; replaces cysteine 2331 with a stop codon.
Molecular consequence: nonsense.
Genome position (GRCh38, 1-based): chr2:73,453,520, C>A. VCF-style: chr2-73453520-C-A. GRCh37 (hg19) VCF-style: chr2-73680647-C-A.
Other names: c.6996C>A, p.Cys2332Ter (NM_015120.4); short protein forms C2331*, C2332*.
Identifiers: ClinVar variation 2731868 (VCV002731868.3), dbSNP rs2466110939, ClinGen allele CA347290439.
Genomic context (GRCh38, chr2:73,453,520, plus strand): 5'-ATCTAATGGTGATTTGCTTCACAGACAGCCATTCACAGAGGAAAGCCCAAGCAGCAGGTG[C>A]ATACAGAAGGATATTGGCACACAGACGAATTTGAAATGCCGGAGAGGCATTGAAAATTGG-3'

ClinVar aggregate classification (germline): Pathogenic (1 of 4 stars; one submission).

Conditions:
Alstrom syndrome (ALMS). Identifiers: Orphanet 64, MedGen C0268425, MONDO:0008763, OMIM 203800.

Submission:

Labcorp Genetics (formerly Invitae), Labcorp
Classification: Pathogenic for Alstrom syndrome. Last evaluated: 2023-06-28. Review status: criteria provided, single submitter. Criteria: Invitae Variant Classification Sherloc (09022015). Collection method: clinical testing. Allele origin: germline.
Comment: This sequence change creates a premature translational stop signal (p.Cys2332*) in the ALMS1 gene. It is expected to result in an absent or disrupted protein product. Loss-of-function variants in ALMS1 are known to be pathogenic (PMID: 17594715). This variant is not present in population databases (gnomAD no frequency). For these reasons, this variant has been classified as Pathogenic. This variant has not been reported in the literature in individuals affected with ALMS1-related conditions.

Literature cited by the submitters: PubMed 17594715.